The following is an entry in ClinVar:

NM_000152.5(GAA):c.1310G>A (p.Arg437His)

Gene: GAA (alpha glucosidase; plus strand). Cytogenetic location: 17q25.3.
Variant type: single nucleotide variant.
Coding change: c.1310G>A on transcript NM_000152.5 (MANE Select); coding-DNA position 1310, G replaced by A.
Protein change: p.Arg437His; replaces arginine 437 with histidine.
Molecular consequence: missense variant.
Genome position (GRCh38, 1-based): chr17:80,108,812, G>A. VCF-style: chr17-80108812-G-A. GRCh37 (hg19) VCF-style: chr17-78082611-G-A.
Other names: c.1310G>A, p.Arg437His (NM_001079803.3, NM_001079804.3); c.1310G>A (LRG_673t1); short protein forms R437H.
Identifiers: ClinVar variation 456374 (VCV000456374.21), dbSNP rs150868652, ClinGen allele CA8815257.

ClinVar aggregate classification (germline): Uncertain significance. Review status: criteria provided, multiple submitters, no conflicts (2 of 4 stars). 11 submissions from 11 submitters: Uncertain significance (10). 1 of the submissions does not count toward it. Last evaluated 2026-07-01.

Conditions:
Glycogen storage disease, type II (IOPD). Also called: GLYCOGENOSIS, GENERALIZED, CARDIAC FORM; GSD II; POMPE DISEASE, INFANTILE-ONSET; GLYCOGEN STORAGE DISEASE II, INFANTILE-ONSET; ACID ALPHA-GLUCOSIDASE DEFICIENCY, INFANTILE-ONSET; GAA DEFICIENCY, INFANTILE-ONSET. Identifiers: Orphanet 365, MedGen C0017921, MONDO:0009290, OMIM 232300.
Cardiovascular phenotype. Identifiers: MedGen CN230736.

Allele frequency attached by ClinVar (database versions not stated): gnomAD exomes 0.00006; ExAC 0.00009; ESP Exome Variant Server 0.00015; 1000 Genomes Project 0.00020; gnomAD 0.00020 and 0.00023; TOPMed 0.00021; 1000 Genomes Project 30x 0.00031.
gnomAD v4.1: 133 of 1,597,274 alleles (0.0083%); highest among the groups gnomAD compares: African/African-American, 0.056%; no homozygotes.

Submissions (11):

Genomenon, Inc
Classification: Uncertain significance for Glycogen storage disease, type II. Last evaluated: 2026-07-01. Review status: criteria provided, single submitter. Criteria: Genomenon Sequence Variant Interpretation Standards - Updated. Collection method: curation. Allele origin: germline. Affected: no.
Comment: GAA p.Arg437His (c.1310G>A) is a missense variant that changes the amino acid at codon 437 from Arginine to Histidine. This variant has been reported in the published literature (PMID:25681614;39273088;30281819;38135707). It is absent or not present at a significant frequency in gnomAD. In silico models predict that this variant is not damaging. In conclusion, we classify GAA p.Arg437His (c.1310G>A) as a variant of uncertain significance.

Ambry Genetics
Classification: Uncertain significance for Cardiovascular phenotype. Last evaluated: 2025-08-20. Review status: criteria provided, single submitter. Criteria: Ambry Variant Classification Scheme 2023. Collection method: clinical testing. Allele origin: germline.
Comment: The p.R437H variant (also known as c.1310G>A), located in coding exon 7 of the GAA gene, results from a G to A substitution at nucleotide position 1310. The arginine at codon 437 is replaced by histidine, an amino acid with highly similar properties. This variant was reported in individual(s) with features consistent with Glycogen storage disease II (Tura&ccedil;a LT et al. Gene, 2015 Apr;561:124-31). This amino acid position is not well conserved in available vertebrate species. In addition, the in silico prediction for this alteration is inconclusive. Based on the available evidence, the clinical significance of this variant remains unclear.

Revvity Omics, Revvity
Classification: Uncertain significance. Last evaluated: 2025-04-28. Review status: criteria provided, single submitter. Criteria: ACMG Guidelines, 2015. Collection method: clinical testing. Allele origin: germline.

Mayo Clinic Laboratories, Mayo Clinic
Classification: Uncertain significance. Last evaluated: 2025-01-29. Review status: criteria provided, single submitter. Criteria: ACMG Guidelines, 2015. Collection method: clinical testing. Allele origin: germline. Observed: 2 variant alleles.
Comment: BP4, PM2_supporting, PM5

ARUP Laboratories, Molecular Genetics and Genomics, ARUP Laboratories
Classification: Uncertain significance for Glycogen storage disease, type II. Last evaluated: 2023-03-09. Review status: criteria provided, single submitter. Criteria: ARUP Molecular Germline Variant Investigation Process 2024. Collection method: clinical testing. Allele origin: germline.
Comment: The GAA c.1310G>A; p.Arg437His variant (rs150868652), is reported in the literature in one individual suspected of Pompe disease (Turaca 2015). This variant is also reported in ClinVar (Variation ID: 456374), and is found in the general population with an overall allele frequency of 0.008% (20/246812 alleles) in the Genome Aggregation Database. Additionally, other variants at this codon (c.1309C>T, p.Arg437Cys) have been reported in individuals with Pompe disease and are considered pathogenic (Fukuhara 2017, Park 2021). Computational analyses predict that this variant is neutral (REVEL: 0.289). Given the lack of clinical and functional data, the significance of this variant is uncertain at this time. References: Turaca LT et al. Novel GAA mutations in patients with Pompe disease. Gene. 2015 Apr 25;561(1):124-31. PMID: 25681614. Park KS. Two Approaches for a Genetic Analysis of Pompe Disease: A Literature Review of Patients with Pompe Disease and Analysis Based on Genomic Data from the General Population. Children (Basel). 2021 Jul 16;8(7):601. PMID: 34356580. Fukuhara Y et al. A molecular analysis of the GAA gene and clinical spectrum in 38 patients with Pompe disease in Japan. Mol Genet Metab Rep. 2017 Oct 31;14:3-9. PMID: 29124014.

Labcorp Genetics (formerly Invitae), Labcorp
Classification: Uncertain significance for Glycogen storage disease, type II. Last evaluated: 2022-10-17. Review status: criteria provided, single submitter. Criteria: Invitae Variant Classification Sherloc (09022015). Collection method: clinical testing. Allele origin: germline.
Comment: This sequence change replaces arginine, which is basic and polar, with histidine, which is basic and polar, at codon 437 of the GAA protein (p.Arg437His). This variant is present in population databases (rs150868652, gnomAD 0.05%). This variant has not been reported in the literature in individuals affected with GAA-related conditions. ClinVar contains an entry for this variant (Variation ID: 456374). Advanced modeling of protein sequence and biophysical properties (such as structural, functional, and spatial information, amino acid conservation, physicochemical variation, residue mobility, and thermodynamic stability) performed at Invitae indicates that this missense variant is not expected to disrupt GAA protein function. This variant disrupts the p.Arg437 amino acid residue in GAA. Other variant(s) that disrupt this residue have been determined to be pathogenic (PMID: 12601120, 17805474). This suggests that this residue is clinically significant, and that variants that disrupt this residue are likely to be disease-causing. In summary, the available evidence is currently insufficient to determine the role of this variant in disease. Therefore, it has been classified as a Variant of Uncertain Significance.

Fulgent Genetics
Classification: Uncertain significance for Glycogen storage disease, type II. Last evaluated: 2022-02-02. Review status: criteria provided, single submitter. Criteria: ACMG Guidelines, 2015. Collection method: clinical testing. Allele origin: unknown.

Genome-Nilou Lab
Classification: Uncertain significance for Glycogen storage disease, type II. Last evaluated: 2021-09-05. Review status: criteria provided, single submitter. Criteria: ACMG Guidelines, 2015. Collection method: clinical testing. Allele origin: germline. Affected: no.

Broad Center for Mendelian Genomics, Broad Institute of MIT and Harvard
Classification: Uncertain significance for Glycogen storage disease, type II. Last evaluated: 2020-01-22. Review status: criteria provided, single submitter. Criteria: ACMG Guidelines, 2015. Collection method: curation. Allele origin: germline. Inheritance: Autosomal recessive inheritance.
Comment: The p.Arg437His variant in GAA has been reported in one individual with suspected glycogen storage disease II (PMID: 25681614) and has been identified in 0.041% (9/21742) of African chromosomes, 0.007% (8/109392) of European (non-Finnish) chromosomes, and 0.007% (2/27668) of South Asian chromosomes by the the Genome Aggregation Database (gnomAD; dbSNP rs150868652). Although this variant has been seen in the general population, its frequency is low enough to be consistent with a recessive carrier disease. This variant has also been reported in ClinVar as a VUS by Invitae (VariationID: 456374). Computational prediction tools, including splice predictors, and conservation analyses suggest that this variant may not impact the protein, though this information is not predictive enough to rule out pathogenicity. One additional variant, resulting in a different amino acid change at the same position, p.Arg437Cys, has been reported pathogenic in association with glycogen storage disease II in the literature and ClinVar (PMID: 19862843, 24190153, 21984055, 21704464, 12601120, 24169249, 22521436, 17805474, 25388776, 25526786, 23884227, 18495398; VariationID: 189082). In summary, the clinical significance of the p.Arg437His variant is uncertain. ACMG/AMP Criteria applied: PM5, PM2, BP4 (Richards 2015).

Illumina Laboratory Services, Illumina
Classification: Uncertain significance for Glycogen storage disease, type II. Last evaluated: 2017-04-27. Review status: criteria provided, single submitter. Criteria: ICSL Variant Classification Criteria 13 December 2019. Collection method: clinical testing. Allele origin: germline.
Comment: This variant was observed as part of a predisposition screen in an ostensibly healthy population. A literature search was performed for the gene, cDNA change, and amino acid change (where applicable). Publications were found based on this search. However, the evidence from the literature, in combination with allele frequency data from public databases where available, was not sufficient to rule this variant in or out of causing disease. Therefore, this variant is classified as a variant of unknown significance.

Natera, Inc.
Classification: Uncertain significance for Glycogen storage disease type II. Last evaluated: 2020-09-16. Review status: no assertion criteria provided. Collection method: clinical testing. Allele origin: germline. Not counted in ClinVar's aggregate classification.

Literature cited by the submitters: PubMed 25681614 (cited by 4 submitters); PubMed 39273088 (cited by Genomenon, Inc and Mayo Clinic Laboratories, Mayo Clinic); PubMed 30281819 (cited by Genomenon, Inc and Mayo Clinic Laboratories, Mayo Clinic); PubMed 38135707 (cited by Genomenon, Inc and Mayo Clinic Laboratories, Mayo Clinic); PubMed 12601120 (cited by Labcorp Genetics (formerly Invitae), Labcorp); PubMed 17805474 (cited by Labcorp Genetics (formerly Invitae), Labcorp).